The following is an entry in ClinVar:

NM_006343.3(MERTK):c.821A>G (p.Lys274Arg)

Gene: MERTK (MER proto-oncogene, tyrosine kinase; plus strand). Cytogenetic location: 2q13.
Variant type: single nucleotide variant.
Coding change: c.821A>G on transcript NM_006343.3 (MANE Select); coding-DNA position 821, A replaced by G.
Protein change: p.Lys274Arg; replaces lysine 274 with arginine.
Molecular consequence: missense variant.
Genome position (GRCh38, 1-based): chr2:111,965,254, A>G. VCF-style: chr2-111965254-A-G. GRCh37 (hg19) VCF-style: chr2-112722831-A-G.
Other names: short protein forms K274R.
Identifiers: ClinVar variation 1446017 (VCV001446017.6), dbSNP rs774835500, ClinGen allele CA1831178.
Genomic context (GRCh38, chr2:111,965,254, plus strand): 5'-TGACGGAGATGGCGGTCTTCAGTTGTGAGGCCCACAATGACAAAGGGCTGACCGTGTCCA[A>G]GGGAGTGCAGATCAACATCAAAGGTAAGCAGCAAGGCTAGGCTCCCCATGCATGTTCTGG-3'
Protein context (NP_006334.2, residues 264-284): AHNDKGLTVS[Lys274Arg]GVQINIKAIP

ClinVar aggregate classification (germline): Uncertain significance (1 of 4 stars; one submission).

Allele frequency attached by ClinVar (database versions not stated): gnomAD exomes below 0.00001; ExAC 0.00001.
gnomAD v4.1: 4 of 1,614,208 alleles (0.00025%); highest among the groups gnomAD compares: South Asian, 0.0022%; no homozygotes.

Submission:

Labcorp Genetics (formerly Invitae), Labcorp
Classification: Uncertain significance. Last evaluated: 2022-08-22. Review status: criteria provided, single submitter. Criteria: Invitae Variant Classification Sherloc (09022015). Collection method: clinical testing. Allele origin: germline.
Comment: ClinVar contains an entry for this variant (Variation ID: 1446017). In summary, the available evidence is currently insufficient to determine the role of this variant in disease. Therefore, it has been classified as a Variant of Uncertain Significance. Algorithms developed to predict the effect of sequence changes on RNA splicing suggest that this variant may create or strengthen a splice site. Algorithms developed to predict the effect of missense changes on protein structure and function output the following: SIFT: "Deleterious"; PolyPhen-2: "Benign"; Align-GVGD: "Class C25". The arginine amino acid residue is found in multiple mammalian species, which suggests that this missense change does not adversely affect protein function. This variant has not been reported in the literature in individuals affected with MERTK-related conditions. This variant is present in population databases (rs774835500, gnomAD 0.003%). This sequence change replaces lysine, which is basic and polar, with arginine, which is basic and polar, at codon 274 of the MERTK protein (p.Lys274Arg).